The following is an entry in ClinVar:

NM_015570.4(AUTS2):c.3555C>G (p.Ile1185Met)

Gene: AUTS2 (activator of transcription and developmental regulator AUTS2; plus strand). Cytogenetic location: 7q11.22.
Variant type: single nucleotide variant.
Coding change: c.3555C>G on transcript NM_015570.4 (MANE Select); coding-DNA position 3555, C replaced by G.
Protein change: p.Ile1185Met; replaces isoleucine 1185 with methionine.
Molecular consequence: missense variant.
Genome position (GRCh38, 1-based): chr7:70,790,771, C>G. VCF-style: chr7-70790771-C-G. GRCh37 (hg19) VCF-style: chr7-70255757-C-G.
Other names: c.3483C>G, p.Ile1161Met (NM_001127231.3); c.3555C>G (NM_015570.2); short protein forms I1185M, I1161M.
Identifiers: ClinVar variation 774046 (VCV000774046.9), dbSNP rs202093848, ClinGen allele CA4281371.

ClinVar aggregate classification (germline): Benign/Likely benign. Review status: criteria provided, multiple submitters, no conflicts (2 of 4 stars). 3 submissions from 3 submitters: Benign (1); Likely benign (1). 1 of the submissions does not count toward it. Last evaluated 2026-01-01.

Conditions:
AUTS2-related disorder. Also called: AUTS2-related condition.
Inborn genetic diseases. Identifiers: MedGen C0950123, MeSH D030342.

Allele frequency attached by ClinVar (database versions not stated): ExAC 0.00007; gnomAD exomes 0.00010 and 0.00021; gnomAD 0.00011 and 0.00012; TOPMed 0.00011; ESP Exome Variant Server 0.00023.
gnomAD v4.1: 328 of 1,612,678 alleles (0.02%); highest among the groups gnomAD compares: Non-Finnish European, 0.026%; no homozygotes.

Submissions (3):

Labcorp Genetics (formerly Invitae), Labcorp
Classification: Benign. Last evaluated: 2026-01-01. Review status: criteria provided, single submitter. Criteria: Invitae Variant Classification Sherloc (09022015). Collection method: clinical testing. Allele origin: germline.

Ambry Genetics
Classification: Likely benign for Inborn genetic diseases. Last evaluated: 2023-06-22. Review status: criteria provided, single submitter. Criteria: Ambry Variant Classification Scheme 2023. Collection method: clinical testing. Allele origin: germline.

PreventionGenetics, part of Exact Sciences
Classification: Likely benign for AUTS2-related condition. Last evaluated: 2023-03-24. Review status: no assertion criteria provided. Collection method: clinical testing. Allele origin: germline. Not counted in ClinVar's aggregate classification.
Comment: This variant is classified as likely benign based on ACMG/AMP sequence variant interpretation guidelines (Richards et al. 2015 PMID: 25741868, with internal and published modifications).